The following is an entry in ClinVar:

NM_007194.4(CHEK2):c.1348del (p.Glu450fs)

Gene: CHEK2 (checkpoint kinase 2; minus strand). Cytogenetic location: 22q12.1.
Variant type: Deletion.
Coding change: c.1348del on transcript NM_007194.4 (MANE Select); coding-DNA position 1348, one base deleted (G; older notation c.1348delG).
Protein change: p.Glu450fs; shifts the reading frame from glutamic acid 450.
Molecular consequence: frameshift variant.
Genome position (GRCh38, 1-based): chr22:28,695,154, C deleted on the plus strand (G on the coding strand, the reverse complement: CHEK2 is on the minus strand). VCF-style (leftmost placement, unchanged base first): chr22-28695153-TC-T. GRCh37 (hg19) VCF-style: chr22-29091141-TC-T.
Other names: c.1477delG, p.Glu493Lysfs (NM_001005735.3); c.685delG, p.Glu229Lysfs (NM_001257387.3); c.1147delG, p.Glu383Lysfs (NM_001349956.3); c.1261delG, p.Glu421Lysfs (NM_145862.3); short protein forms E229fs, E493fs, E421fs, E383fs, E450fs.
Identifiers: ClinVar variation 2015885 (VCV002015885.4), dbSNP rs2517795663, ClinGen allele CA2580099409.

ClinVar aggregate classification (germline): Pathogenic (1 of 4 stars; one submission).

Conditions:
Familial cancer of breast. Also called: Hereditary breast cancer; BREAST CANCER, FAMILIAL; hereditary breast carcinoma. Identifiers: Orphanet 227535, MedGen C0346153, MONDO:0016419, OMIM 114480. Disease mechanism: loss of function.

Submission:

Labcorp Genetics (formerly Invitae), Labcorp
Classification: Pathogenic for Familial cancer of breast. Last evaluated: 2022-06-09. Review status: criteria provided, single submitter. Criteria: Invitae Variant Classification Sherloc (09022015). Collection method: clinical testing. Allele origin: germline.
Comment: For these reasons, this variant has been classified as Pathogenic. This variant has not been reported in the literature in individuals affected with CHEK2-related conditions. This variant is not present in population databases (gnomAD no frequency). This sequence change creates a premature translational stop signal (p.Glu450Lysfs*19) in the CHEK2 gene. It is expected to result in an absent or disrupted protein product. Loss-of-function variants in CHEK2 are known to be pathogenic (PMID: 21876083, 24713400).

Literature cited by the submitters: PubMed 21876083; PubMed 24713400.